The following is an entry in ClinVar:

ClinVar aggregate classification (germline): Uncertain significance (1 of 4 stars; one submission).

Submission:

Women's Health and Genetics/Laboratory Corporation of America, LabCorp
Classification: Uncertain significance. Last evaluated: 2026-06-16. Review status: criteria provided, single submitter. Criteria: LabCorp Variant Classification Summary - May 2015. Collection method: clinical testing. Allele origin: germline.
Comment: Variant summary: The variant involves the partial duplication of exon 55 in the DMD gene. A presumed nomenclature of c.8119_8218-3704dup116615 has been designated for the purposes of this classification. It is assumed to be a tandem duplication in direct orientation (PMIDs: 25640679, 30054569). This CNV spans a canonical splice-site and its impact on the encoded protein is unknown. The variant was absent in 15814 control chromosomes in the gnomAD database (Structural Variants v2.1 dataset). The available data on variant occurrences in the general population are insufficient to allow any conclusion about variant significance. To our knowledge, no occurrence of c.8119_8218-3704dup116615 in individuals affected with DMD-related conditions and no experimental evidence demonstrating its impact on protein function have been reported. No submitters have cited clinical-significance assessments for this variant to ClinVar. Based on the evidence outlined above, the variant was classified as uncertain significance. e.

NC_000023.10:g.31529274_31645888dup116615

Gene: DMD (dystrophin; minus strand). Cytogenetic location: Xp21.1.
Variant type: Duplication.
Identifiers: ClinVar variation 4887189 (VCV004887189.1).